The following is an entry in ClinVar:

NM_015047.3(EMC1):c.1782+3G>A

Genes: EMC1 (ER membrane protein complex subunit 1; minus strand), EMC1-AS1 (EMC1 antisense RNA 1; plus strand). Cytogenetic location: 1p36.13.
Variant type: single nucleotide variant.
Coding change: c.1782+3G>A on transcript NM_015047.3 (MANE Select); 3 bases into the intron after coding-DNA position 1782, G replaced by A.
Molecular consequence: intron variant.
Genome position (GRCh38, 1-based): chr1:19,232,621, C>T on the plus strand (G>A on the coding strand, the complement: EMC1 is on the minus strand). VCF-style: chr1-19232621-C-T. GRCh37 (hg19) VCF-style: chr1-19559115-C-T.
Other names: c.1716+3G>A (NM_001271429.2); c.1779+3G>A (NM_001271427.2, NM_001271428.2); c.1788+3G>A (NM_001375821.1); c.1791+3G>A (NM_001375820.1); c.1782+3G>A (NM_015047.1).
Identifiers: ClinVar variation 1051505 (VCV001051505.10), dbSNP rs150389135, ClinGen allele CA652504.

ClinVar aggregate classification (germline): Uncertain significance. Review status: criteria provided, multiple submitters, no conflicts (2 of 4 stars). 2 submissions from 2 submitters: Uncertain significance (2). Last evaluated 2024-12-02.

Conditions:
Inborn genetic diseases. Identifiers: MedGen C0950123, MeSH D030342.

Allele frequency attached by ClinVar (database versions not stated): ExAC 0.00002; gnomAD exomes 0.00002; gnomAD 0.00006 and 0.00007; ESP Exome Variant Server 0.00008; TOPMed 0.00009; 1000 Genomes Project 30x 0.00031; 1000 Genomes Project 0.00040.
gnomAD v4.1: 33 of 1,613,990 alleles (0.002%); highest among the groups gnomAD compares: African/African-American, 0.043%; no homozygotes.

Submissions (2):

Labcorp Genetics (formerly Invitae), Labcorp
Classification: Uncertain significance. Last evaluated: 2024-12-02. Review status: criteria provided, single submitter. Criteria: Invitae Variant Classification Sherloc (09022015). Collection method: clinical testing. Allele origin: germline.
Comment: This sequence change falls in intron 15 of the EMC1 gene. It does not directly change the encoded amino acid sequence of the EMC1 protein. It affects a nucleotide within the consensus splice site. This variant is present in population databases (rs150389135, gnomAD 0.02%). This variant has not been reported in the literature in individuals affected with EMC1-related conditions. ClinVar contains an entry for this variant (Variation ID: 1051505). Variants that disrupt the consensus splice site are a relatively common cause of aberrant splicing (PMID: 17576681, 9536098). Algorithms developed to predict the effect of sequence changes on RNA splicing suggest that this variant is not likely to affect RNA splicing. In summary, the available evidence is currently insufficient to determine the role of this variant in disease. Therefore, it has been classified as a Variant of Uncertain Significance.

Ambry Genetics
Classification: Uncertain significance for Inborn genetic diseases. Last evaluated: 2021-11-25. Review status: criteria provided, single submitter. Criteria: Ambry Variant Classification Scheme 2023. Collection method: clinical testing. Allele origin: germline.
Comment: The c.1782+3G>A intronic alteration consists of a G to A substitution 3 nucleotides after exon 15 of the EMC1 gene. Based on insufficient or conflicting evidence, the clinical significance of this alteration remains unclear.

Literature cited by the submitters: PubMed 17576681 (cited by Labcorp Genetics (formerly Invitae), Labcorp); PubMed 9536098 (cited by Labcorp Genetics (formerly Invitae), Labcorp).